The following is an entry in ClinVar:

ClinVar aggregate classification (germline): Likely pathogenic (1 of 4 stars; one submission).

Conditions:
Primary dilated cardiomyopathy (DCM). Also called: Dilated Cardiomyopathy. Identifiers: Orphanet 217604, MedGen C0007193, MeSH D002311, MONDO:0005021, HP:0001644. Inheritance: Various modes of inheritance.

Submission:

Lildballe Lab, Aarhus University Hospital
Classification: Likely pathogenic for dilated cardiomyopathy. Last evaluated: 2024-03-01. Review status: criteria provided, single submitter. Criteria: ACMG Guidelines, 2015. Collection method: research. Allele origin: germline. Affected: yes.
Comment: PVS1(vs), PM2(sup)

Literature cited by the submitters: PubMed 25741948; PubMed 39481677.

NM_001267550.2(TTN):c.90715del (p.Ala30239fs)

Genes: TTN (titin; minus strand), TTN-AS1 (TTN antisense RNA 1; plus strand). Cytogenetic location: 2q31.2.
Variant type: Deletion.
Coding change: c.90715del on transcript NM_001267550.2 (MANE Select); coding-DNA position 90715, one base deleted (G; older notation c.90715delG).
Protein change: p.Ala30239fs; shifts the reading frame from alanine 30239.
Molecular consequence: frameshift variant.
Genome position (GRCh38, 1-based): chr2:178,552,185, C deleted on the plus strand (G on the coding strand, the reverse complement: TTN is on the minus strand); the first of 2 consecutive C bases (chr2:178,552,185-178,552,186); deleting either gives the same sequence. VCF-style (leftmost placement, unchanged base first): chr2-178552184-GC-G. GRCh37 (hg19) VCF-style: chr2-179416911-GC-G.
Other names: c.85792del, p.Ala28598fs (NM_001256850.1); c.63520del, p.Ala21174fs (NM_003319.4); c.83011del, p.Ala27671fs (NM_133378.4); c.63895del, p.Ala21299fs (NM_133432.3); c.64096del, p.Ala21366fs (NM_133437.4); short protein forms A21174fs, A21299fs, A21366fs, A27671fs, A28598fs, A30239fs.
Identifiers: ClinVar variation 3338362 (VCV003338362.1).
Genomic context (GRCh38, chr2:178,552,184, plus strand): 5'-CAAGTAATTTCTCCTCCTCCATTATCTTCAGGTACATCCCATGACAGGATGACACTATCA[GC>G]CTTGATTTCATCAAATCGAATGGGTCCTTTGGGCTTTGATGGTGGGCCAAGGGTGATGAC-3'